The following is an entry in ClinVar:

NM_020717.5(SHROOM4):c.1541G>T (p.Arg514Ile)

Gene: SHROOM4 (shroom family member 4; minus strand). Cytogenetic location: Xp11.22.
Variant type: single nucleotide variant.
Coding change: c.1541G>T on transcript NM_020717.5 (MANE Select); coding-DNA position 1541, G replaced by T.
Protein change: p.Arg514Ile; replaces arginine 514 with isoleucine.
Molecular consequence: missense variant. On other transcripts: non-coding transcript variant (4).
Genome position (GRCh38, 1-based): chrX:50,634,532, C>A on the plus strand (G>T on the coding strand, the complement: SHROOM4 is on the minus strand). VCF-style: chrX-50634532-C-A. GRCh37 (hg19) VCF-style: chrX-50377532-C-A.
Other names: short protein forms R514I.
Identifiers: ClinVar variation 1774858 (VCV001774858.27), dbSNP rs149678940, ClinGen allele CA10416238.

ClinVar aggregate classification (germline): Benign/Likely benign. Review status: criteria provided, multiple submitters, no conflicts (2 of 4 stars). 3 submissions from 3 submitters: Benign (1); Likely benign (2). Last evaluated 2024-11-21.

Allele frequency attached by ClinVar (database versions not stated): gnomAD 0.00006; TOPMed 0.00008; ESP Exome Variant Server 0.00009; gnomAD exomes 0.00009; ExAC 0.00030.
gnomAD v4.1: 113 of 1,209,898 alleles (0.0093%); highest among the groups gnomAD compares: South Asian, 0.063%; 2 homozygotes.

Submissions (3):

Blueprint Genetics
Classification: Likely benign. Last evaluated: 2024-11-21. Review status: criteria provided, single submitter. Criteria: ACMG Guidelines, 2015. Collection method: clinical testing. Allele origin: germline.

CeGaT Center for Human Genetics Tuebingen
Classification: Likely benign. Last evaluated: 2023-02-01. Review status: criteria provided, single submitter. Criteria: CeGaT Center For Human Genetics Tuebingen Variant Classification Criteria Version 2. Collection method: clinical testing. Allele origin: germline. Affected: yes. Observed: 1 variant allele.
Comment: SHROOM4: BP4, BS2

Ambry Genetics
Classification: Benign. Last evaluated: 2021-04-08. Review status: criteria provided, single submitter. Criteria: Ambry Variant Classification Scheme 2023. Collection method: clinical testing. Allele origin: germline.